The following is an entry in ClinVar:

NM_000702.4(ATP1A2):c.1735A>G (p.Lys579Glu)

Gene: ATP1A2 (ATPase Na+/K+ transporting subunit alpha 2; plus strand). Cytogenetic location: 1q23.2.
Variant type: single nucleotide variant.
Coding change: c.1735A>G on transcript NM_000702.4 (MANE Select); coding-DNA position 1735, A replaced by G.
Protein change: p.Lys579Glu; replaces lysine 579 with glutamic acid.
Molecular consequence: missense variant.
Genome position (GRCh38, 1-based): chr1:160,130,505, A>G. VCF-style: chr1-160130505-A-G. GRCh37 (hg19) VCF-style: chr1-160100295-A-G.
Other names: short protein forms K579E.
Identifiers: ClinVar variation 655681 (VCV000655681.14), dbSNP rs535175099, ClinGen allele CA1194574.

ClinVar aggregate classification (germline): Likely benign. Review status: criteria provided, multiple submitters, no conflicts (2 of 4 stars). 3 submissions from 3 submitters: Likely benign (2). 1 of the submissions does not count toward it. Last evaluated 2024-05-22.

Conditions:
ATP1A2-related disorder. Also called: ATP1A2-related condition; ATP1A2-RELATED DISORDERS.
Inborn genetic diseases. Identifiers: MedGen C0950123, MeSH D030342.
Familial hemiplegic migraine. Identifiers: MedGen C0338484, MONDO:0000700.

Allele frequency attached by ClinVar (database versions not stated): gnomAD 0.00001; gnomAD exomes 0.00002 and 0.00005; ExAC 0.00006; 1000 Genomes Project 30x 0.00016; 1000 Genomes Project 0.00020.
gnomAD v4.1: 36 of 1,614,158 alleles (0.0022%); highest among the groups gnomAD compares: South Asian, 0.036%; 1 homozygote.

Submissions (3):

Labcorp Genetics (formerly Invitae), Labcorp
Classification: Likely benign for Familial hemiplegic migraine. Last evaluated: 2024-05-22. Review status: criteria provided, single submitter. Criteria: Invitae Variant Classification Sherloc (09022015). Collection method: clinical testing. Allele origin: germline.

Ambry Genetics
Classification: Likely benign for Inborn genetic diseases. Last evaluated: 2024-02-21. Review status: criteria provided, single submitter. Criteria: Ambry Variant Classification Scheme 2023. Collection method: clinical testing. Allele origin: germline.

PreventionGenetics, part of Exact Sciences
Classification: Uncertain significance for ATP1A2-related condition. Last evaluated: 2023-11-20. Review status: no assertion criteria provided. Collection method: clinical testing. Allele origin: germline. Not counted in ClinVar's aggregate classification.
Comment: The ATP1A2 c.1735A>G variant is predicted to result in the amino acid substitution p.Lys579Glu. To our knowledge, this variant has not been reported in the literature. This variant is reported in 0.039% of alleles in individuals of South Asian descent in gnomAD. At this time, the clinical significance of this variant is uncertain due to the absence of conclusive functional and genetic evidence.